The following is an entry in ClinVar:

ClinVar aggregate classification (germline): Uncertain significance. Review status: criteria provided, multiple submitters, no conflicts (2 of 4 stars). 2 submissions from 2 submitters: Uncertain significance (2). Last evaluated 2025-02-24.

Conditions:
Inborn genetic diseases. Identifiers: MedGen C0950123, MeSH D030342.
Baller-Gerold syndrome (BGS). Also called: CRANIOSYNOSTOSIS WITH RADIAL DEFECTS. Identifiers: Orphanet 1225, MedGen C0265308, MONDO:0009039, OMIM 218600.

Allele frequency attached by ClinVar (database versions not stated): gnomAD 0.00001.
gnomAD v4.1: 1 of 1,610,490 alleles (0.000062%); highest among the groups gnomAD compares: Non-Finnish European, 0.000085%; no homozygotes.

Submissions (2):

Ambry Genetics
Classification: Uncertain significance for Inborn genetic diseases. Last evaluated: 2025-02-24. Review status: criteria provided, single submitter. Criteria: Ambry Variant Classification Scheme 2023. Collection method: clinical testing. Allele origin: germline.
Comment: The p.E164V variant (also known as c.491A>T), located in coding exon 5 of the RECQL4 gene, results from an A to T substitution at nucleotide position 491. The glutamic acid at codon 164 is replaced by valine, an amino acid with dissimilar properties. This amino acid position is conserved. In addition, this alteration is predicted to be tolerated by in silico analysis. Based on the available evidence, the clinical significance of this variant remains unclear.

Labcorp Genetics (formerly Invitae), Labcorp
Classification: Uncertain significance for Baller-Gerold syndrome. Last evaluated: 2022-02-15. Review status: criteria provided, single submitter. Criteria: Invitae Variant Classification Sherloc (09022015). Collection method: clinical testing. Allele origin: germline.
Comment: This sequence change replaces glutamic acid, which is acidic and polar, with valine, which is neutral and non-polar, at codon 164 of the RECQL4 protein (p.Glu164Val). This variant is not present in population databases (gnomAD no frequency). This variant has not been reported in the literature in individuals affected with RECQL4-related conditions. ClinVar contains an entry for this variant (Variation ID: 459501). Algorithms developed to predict the effect of missense changes on protein structure and function output the following: SIFT: "Not Available"; PolyPhen-2: "Not Available"; Align-GVGD: "Not Available". The valine amino acid residue is found in multiple mammalian species, which suggests that this missense change does not adversely affect protein function. In summary, the available evidence is currently insufficient to determine the role of this variant in disease. Therefore, it has been classified as a Variant of Uncertain Significance.

NM_004260.4(RECQL4):c.491A>T (p.Glu164Val)

Gene: RECQL4 (RecQ like helicase 4; minus strand). Cytogenetic location: 8q24.3.
Variant type: single nucleotide variant.
Coding change: c.491A>T on transcript NM_004260.4 (MANE Select); coding-DNA position 491, A replaced by T.
Protein change: p.Glu164Val; replaces glutamic acid 164 with valine.
Molecular consequence: missense variant.
Genome position (GRCh38, 1-based): chr8:144,516,628, T>A on the plus strand (A>T on the coding strand, the complement: RECQL4 is on the minus strand). VCF-style: chr8-144516628-T-A. GRCh37 (hg19) VCF-style: chr8-145742012-T-A.
Other names: short protein forms E164V.
Identifiers: ClinVar variation 459501 (VCV000459501.6), dbSNP rs1554903532, ClinGen allele CA372691272.
Genomic context (GRCh38, chr8:144,516,628, plus strand): 5'-CCCAGCCGCTGGCTCAGGGATGCCTGCAGATGCTGGAGCCGGCCTGGCCTTGGCTGGGGC[T>A]CAGGGAGCTGTGGAGGCTCATCACTGACTTTTTCTGCAAAGGAGGGGACAGGCCCTGTAC-3'
Protein context (NP_004251.4, residues 154-174): KVSDEPPQLP[Glu164Val]PQPRPGRLQH